The following is an entry in ClinVar:

NM_000275.3(OCA2):c.227+1_227+15del

Gene: OCA2 (OCA2 melanosomal transmembrane protein; minus strand). Cytogenetic location: 15q13.1.
Variant type: Deletion.
Coding change: c.227+1_227+15del on transcript NM_000275.3 (MANE Select); the canonical splice donor site of the intron after coding-DNA position 227 through 15 bases into the intron after coding-DNA position 227, 15 bases deleted (GTGAGTTTAAAATAG).
Molecular consequence: splice donor variant.
Genome position (GRCh38, 1-based): chr15:28,081,633-28,081,647, CTATTTTAAACTCAC deleted on the plus strand (GTGAGTTTAAAATAG on the coding strand, the reverse complement: OCA2 is on the minus strand); deleting any 15 consecutive bases within chr15:28,081,633-28,081,649 gives the same sequence; the c. name uses the placement nearest the transcript's 3' end. VCF-style (leftmost placement, unchanged base first): chr15-28081632-ACTATTTTAAACTCAC-A. GRCh37 (hg19) VCF-style: chr15-28326778-ACTATTTTAAACTCAC-A.
Other names: c.227+1_227+15del (NM_001300984.2).
Identifiers: ClinVar variation 1518883 (VCV001518883.6), dbSNP rs2044626810, ClinGen allele CA2166453404.
Genomic context (GRCh38, chr15:28,081,632, plus strand): 5'-CGTGGGGGAACGATGCTCATGGAAACCCAATCTGTGTGAAGTCCACATTTACAAGATGGC[ACTATTTTAAACTCAC>A]CTCCCTTTTGTGAGGAATGAAGCAAACTCCTGGCCTGCAGGAGCCCAAGAGCTCTGCCCG-3'

ClinVar aggregate classification (germline): Likely pathogenic (1 of 4 stars; one submission).

Submission:

Labcorp Genetics (formerly Invitae), Labcorp
Classification: Likely pathogenic. Last evaluated: 2021-09-17. Review status: criteria provided, single submitter. Criteria: Invitae Variant Classification Sherloc (09022015). Collection method: clinical testing. Allele origin: germline.
Comment: This sequence change affects a splice site in intron 2 of the OCA2 gene. It is expected to disrupt RNA splicing. Variants that disrupt the donor or acceptor splice site typically lead to a loss of protein function (PMID: 16199547), and loss-of-function variants in OCA2 are known to be pathogenic (PMID: 19865097, 21541274). This variant is not present in population databases (ExAC no frequency). This variant has not been reported in the literature in individuals affected with OCA2-related conditions. Algorithms developed to predict the effect of sequence changes on RNA splicing suggest that this variant may disrupt the consensus splice site. In summary, the currently available evidence indicates that the variant is pathogenic, but additional data are needed to prove that conclusively. Therefore, this variant has been classified as Likely Pathogenic.

Literature cited by the submitters: PubMed 16199547; PubMed 19865097; PubMed 21541274.